The following is an entry in ClinVar:

ClinVar aggregate classification (germline): Likely benign (1 of 4 stars; one submission).

Allele frequency attached by ClinVar (database versions not stated): TOPMed 0.00002.

Submission:

Women's Health and Genetics/Laboratory Corporation of America, LabCorp
Classification: Likely benign. Last evaluated: 2023-09-29. Review status: criteria provided, single submitter. Criteria: LabCorp Variant Classification Summary - May 2015. Collection method: clinical testing. Allele origin: germline.
Comment: Variant summary: CAMK2A c.1142+17C>A alters a non-conserved nucleotide located at a position not widely known to affect splicing. The variant was absent in 225326 control chromosomes (gnomAD). The available data on variant occurrences in the general population are insufficient to allow any conclusion about variant significance. To our knowledge, no occurrence of c.1142+17C>A in individuals affected with Intellectual Disability, Autosomal Dominant 53 and no experimental evidence demonstrating its impact on protein function have been reported. No submitters have cited clinical-significance assessments for this variant to ClinVar after 2014. Based on the evidence outlined above, the variant was classified as likely benign.

NM_015981.4(CAMK2A):c.1142+17C>A

Gene: CAMK2A (calcium/calmodulin dependent protein kinase II alpha; minus strand). Cytogenetic location: 5q32.
Variant type: single nucleotide variant.
Coding change: c.1142+17C>A on transcript NM_015981.4 (MANE Select); 17 bases into the intron after coding-DNA position 1142, C replaced by A.
Molecular consequence: intron variant.
Genome position (GRCh38, 1-based): chr5:150,231,288, G>T on the plus strand (C>A on the coding strand, the complement: CAMK2A is on the minus strand). VCF-style: chr5-150231288-G-T. GRCh37 (hg19) VCF-style: chr5-149610851-G-T.
Other names: c.1109+17C>A (NM_001363990.1, NM_171825.3, NM_001369025.2); c.1142+17C>A (NM_001363989.1).
Identifiers: ClinVar variation 2627361 (VCV002627361.1), dbSNP rs752941395, ClinGen allele CA563571713.